The following is an entry in ClinVar:

ClinVar aggregate classification (germline): Pathogenic (1 of 4 stars; one submission).

Conditions:
Familial hemophagocytic lymphohistiocytosis 3 (FHL3). Also called: UNC13D-Related Familial Hemophagocytic Lymphohistiocytosis (UNC13D-fHLH). Identifiers: Orphanet 540, MedGen C1837174, MONDO:0012146, OMIM 608898.

Submission:

NYU Undiagnosed Diseases Program, NYU School of Medicine
Classification: Pathogenic for Familial hemophagocytic lymphohistiocytosis 3. Last evaluated: 2025-09-08. Review status: criteria provided, single submitter. Criteria: ACMG Guidelines, 2015. Collection method: clinical testing, research. Allele origin: germline. Inheritance: Autosomal recessive inheritance. Affected: yes. Observed: 2 compound heterozygotes.
Comment: In silico splicing models predict a potential impact on splicing: SpliceAI predicts a donor site loss (score: 0.40) and a donor gain (score: 0.17), and Pangolin also predicts splice site disruption (score: 0.59). RNA sequencing data demonstrates that this variant causes aberrant intron inclusion resulting in a frameshift and premature termination, and loss of function is a known mechanism of disease in this gene. Additionally, this variant is absent from the healthy population (gnomAD v4 database). This variant was observed in trans with a known pathogenic variant in two siblings with HLH, further supporting its pathogenicity.

NM_199242.3(UNC13D):c.1596+37_1597-17del

Gene: UNC13D (unc-13 homolog D; minus strand). Cytogenetic location: 17q25.1.
Variant type: Deletion.
Coding change: c.1596+37_1597-17del on transcript NM_199242.3 (MANE Select); 37 bases into the intron after coding-DNA position 1596 through 17 bases into the intron before coding-DNA position 1597, 25 bases deleted (ACAGAGCTGTGGGCCCCGCCCTCCA).
Molecular consequence: intron variant.
Genome position (GRCh38, 1-based): chr17:75,835,794-75,835,818, TGGAGGGCGGGGCCCACAGCTCTGT deleted on the plus strand (ACAGAGCTGTGGGCCCCGCCCTCCA on the coding strand, the reverse complement: UNC13D is on the minus strand); deleting any 25 consecutive bases within chr17:75,835,794-75,835,826 gives the same sequence; the c. name uses the placement nearest the transcript's 3' end. VCF-style (leftmost placement, unchanged base first): chr17-75835793-GTGGAGGGCGGGGCCCACAGCTCTGT-G. GRCh37 (hg19) VCF-style: chr17-73831874-GTGGAGGGCGGGGCCCACAGCTCTGT-G.
Identifiers: ClinVar variation 4073598 (VCV004073598.2).